The following is an entry in ClinVar:

NM_000392.5(ABCC2):c.3851G>A (p.Trp1284Ter)

Gene: ABCC2 (ATP binding cassette subfamily C member 2; plus strand). Cytogenetic location: 10q24.2.
Variant type: single nucleotide variant.
Coding change: c.3851G>A on transcript NM_000392.5 (MANE Select); coding-DNA position 3851, G replaced by A.
Protein change: p.Trp1284Ter; replaces tryptophan 1284 with a stop codon.
Molecular consequence: nonsense.
Genome position (GRCh38, 1-based): chr10:99,844,329, G>A. VCF-style: chr10-99844329-G-A. GRCh37 (hg19) VCF-style: chr10-101604086-G-A.
Other names: short protein forms W1284*.
Identifiers: ClinVar variation 692030 (VCV000692030.1), dbSNP rs1590192032, ClinGen allele CA378126647.

ClinVar aggregate classification (germline): Pathogenic (1 of 4 stars; one submission).

Conditions:
Dubin-Johnson syndrome (DJS). Also called: Hyperbilirubinemia type 2; Jaundice, Chronic Idiopathic; HYPERBILIRUBINEMIA, DUBIN-JOHNSON TYPE. Identifiers: Orphanet 234, MedGen C0022350, MONDO:0009380, OMIM 237500.

Submission:

Rady Children's Institute for Genomic Medicine, Rady Children's Hospital San Diego
Classification: Pathogenic for DUBIN-JOHNSON SYNDROME. Last evaluated: 2018-05-10. Review status: criteria provided, single submitter. Criteria: ACMG Guidelines, 2015. Collection method: clinical testing. Allele origin: germline. Affected: yes. Observed: 1 variant allele.
Comment: This nonsense variant found in exon 28 of 32 is predicted to result in loss of normal protein function. This variant has not been previously reported in the Human Gene Mutation Database (HGMD) or functionally characterized in the literature to our knowledge. It is absent from the population SNP databases and thus is presumed to be rare. Loss of function variants in the ABCC2 gene were previously reported in the patients with Dubin-Johnson syndrome (PMID: 16549534). Based on the available evidence, the c.3399_3400delTT (p.Tyr1134CysfsTer43) variant is classified as pathogenic.